The following is an entry in ClinVar:

ClinVar aggregate classification (germline): Likely benign. Review status: criteria provided, multiple submitters, no conflicts (2 of 4 stars). 6 submissions from 6 submitters: Likely benign (6). Last evaluated 2024-10-12.

Conditions:
Familial thoracic aortic aneurysm and aortic dissection (TAAD). Also called: Thoracic aortic aneurysms and dissections. Identifiers: Orphanet 91387, MedGen C4707243, MONDO:0019625.
Aortic aneurysm, familial thoracic 4 (AAT4). Also called: AORTIC ANEURYSM/AORTIC DISSECTION AND PATENT DUCTUS ARTERIOSUS. Identifiers: MedGen C1851504, MONDO:0007568, OMIM 132900.

Allele frequency attached by ClinVar (database versions not stated): gnomAD 0.00001; TOPMed 0.00001; ExAC 0.00006; ESP Exome Variant Server 0.00008.
gnomAD v4.1: 43 of 1,614,134 alleles (0.0027%); highest among the groups gnomAD compares: Middle Eastern, 0.049%; no homozygotes.

Submissions (6):

Labcorp Genetics (formerly Invitae), Labcorp
Classification: Likely benign for Aortic aneurysm, familial thoracic 4. Last evaluated: 2024-10-12. Review status: criteria provided, single submitter. Criteria: Invitae Variant Classification Sherloc (09022015). Collection method: clinical testing. Allele origin: germline.

Ambry Genetics
Classification: Likely benign for Familial thoracic aortic aneurysm and aortic dissection. Last evaluated: 2024-02-25. Review status: criteria provided, single submitter. Criteria: Ambry Variant Classification Scheme 2023. Collection method: clinical testing. Allele origin: germline.

All of Us Research Program, National Institutes of Health
Classification: Likely benign for Familial thoracic aortic aneurysm and aortic dissection. Last evaluated: 2023-12-13. Review status: criteria provided, single submitter. Criteria: ACMG Guidelines, 2015. Collection method: clinical testing. Allele origin: germline. Inheritance: Autosomal dominant inheritance. Observed: 11 variant alleles, 11 heterozygotes.
Comment: This study involves interpretation of variants in research participants for the purpose of population health screening. Participant phenotype was not available at the time of variant classification. Additional details can be found in publication PMID: 35346344, PMCID: PMC8962531

Blueprint Genetics
Classification: Likely benign. Last evaluated: 2023-06-21. Review status: criteria provided, single submitter. Criteria: ACMG Guidelines, 2015. Collection method: clinical testing. Allele origin: germline.

CHEO Genetics Diagnostic Laboratory, Children's Hospital of Eastern Ontario
Classification: Likely benign for Familial thoracic aortic aneurysm and aortic dissection. Last evaluated: 2021-09-15. Review status: criteria provided, single submitter. Criteria: ACMG Guidelines, 2015. Collection method: clinical testing. Allele origin: germline. Study: Canadian Open Genetics Repository.

Color Diagnostics, LLC DBA Color Health
Classification: Likely benign for Familial thoracic aortic aneurysm and aortic dissection. Last evaluated: 2019-01-20. Review status: criteria provided, single submitter. Criteria: ACMG Guidelines, 2015. Collection method: clinical testing. Allele origin: germline.

NM_002474.3(MYH11):c.3561G>A (p.Thr1187=)

Gene: MYH11 (myosin heavy chain 11; minus strand). Cytogenetic location: 16p13.11.
Variant type: single nucleotide variant.
Coding change: c.3561G>A on transcript NM_002474.3 (MANE Select); coding-DNA position 3561, G replaced by A.
Protein change: p.Thr1187=; no amino-acid change (threonine 1187 retained).
Molecular consequence: synonymous variant.
Genome position (GRCh38, 1-based): chr16:15,732,654, C>T on the plus strand (G>A on the coding strand, the complement: MYH11 is on the minus strand). VCF-style: chr16-15732654-C-T. GRCh37 (hg19) VCF-style: chr16-15826511-C-T.
Other names: c.3582G>A, p.Thr1194= (NM_001040113.2, NM_001040114.2); c.3561G>A, p.Thr1187= (NM_022844.3); c.3561G>A (NM_002474.2).
Identifiers: ClinVar variation 626606 (VCV000626606.16), dbSNP rs139271438, ClinGen allele CA7921957.